The following is an entry in ClinVar:

ClinVar aggregate classification (germline): Uncertain significance (1 of 4 stars; one submission).

Submission:

GeneDx
Classification: Uncertain significance. Last evaluated: 2024-01-11. Review status: criteria provided, single submitter. Criteria: GeneDx Variant Classification Process June 2021. Collection method: clinical testing. Allele origin: germline. Affected: yes.
Comment: Has not been previously published as pathogenic or benign to our knowledge; In-silico analysis is inconclusive as to whether the variant impacts protein structure/function. In the absence of functional studies, the actual effect of this sequence change is unknown.

NM_001372044.2(SHANK3):c.3605C>G (p.Ser1202Cys)

Gene: SHANK3 (SH3 and multiple ankyrin repeat domains 3; plus strand). Cytogenetic location: 22q13.33.
Variant type: single nucleotide variant.
Coding change: c.3605C>G on transcript NM_001372044.2 (MANE Select); coding-DNA position 3605, C replaced by G.
Protein change: p.Ser1202Cys; replaces serine 1202 with cysteine.
Molecular consequence: missense variant.
Genome position (GRCh38, 1-based): chr22:50,721,213, C>G. VCF-style: chr22-50721213-C-G. GRCh37 (hg19) VCF-style: chr22-51159641-C-G.
Other names: c.3380C>G (NM_033517.1); short protein forms S1202C.
Identifiers: ClinVar variation 3367523 (VCV003367523.1).
Genomic context (GRCh38, chr22:50,721,213, plus strand): 5'-CCCTGGCCCTTGCCCTGGCTGCCCGAGAGCGAGCTCTGGCCTCCCAGGCGCCCTCCCGGT[C>G]CCCCACACCCGTGCACAGTCCCGACGCCGACCGCCCCGGACCCCTGTTTGTGGATGTACA-3'
Protein context (NP_001358973.1, residues 1192-1212): RALASQAPSR[Ser1202Cys]PTPVHSPDAD